The following is an entry in ClinVar:

NM_000390.4(CHM):c.235A>C (p.Ile79Leu)

Gene: CHM (CHM Rab escort protein; minus strand). Cytogenetic location: Xq21.2.
Variant type: single nucleotide variant.
Coding change: c.235A>C on transcript NM_000390.4 (MANE Select); coding-DNA position 235, A replaced by C.
Protein change: p.Ile79Leu; replaces isoleucine 79 with leucine.
Molecular consequence: missense variant. On other transcripts: 5 prime UTR variant (4).
Genome position (GRCh38, 1-based): chrX:85,978,846, T>G on the plus strand (A>C on the coding strand, the complement: CHM is on the minus strand). VCF-style: chrX-85978846-T-G. GRCh37 (hg19) VCF-style: chrX-85233850-T-G.
Other names: c.235A>C, p.Ile79Leu (NM_001145414.4); c.-210A>C (NM_001320959.1, NM_001362517.1); c.-206A>C (NM_001362518.2, NM_001362519.1); short protein forms I79L.
Identifiers: ClinVar variation 4799331 (VCV004799331.1).
Genomic context (GRCh38, chrX:85,978,846, plus strand): 5'-CCACATGTTGAATAGTTTTGTCCTTCCTGCTAAGAGCAATGGCTTCTTCATTTTCAAGGA[T>G]CTGGTCTTGCCACACTGGACTGTCACTTACAATGTCACTGTTTTCCTAAACAAAACACAG-3'
Protein context (NP_000381.1, residues 69-89): VSDSPVWQDQ[Ile79Leu]LENEEAIALS

ClinVar aggregate classification (germline): Uncertain significance (1 of 4 stars; one submission).

gnomAD v4.1: 1 of 1,205,449 alleles (0.000083%); highest among the groups gnomAD compares: South Asian, 0.0018%; no homozygotes.

Submission:

Labcorp Genetics (formerly Invitae), Labcorp
Classification: Uncertain significance. Last evaluated: 2025-10-01. Review status: criteria provided, single submitter. Criteria: Invitae Variant Classification Sherloc (09022015). Collection method: clinical testing. Allele origin: germline.
Comment: This sequence change replaces isoleucine, which is neutral and non-polar, with leucine, which is neutral and non-polar, at codon 79 of the CHM protein (p.Ile79Leu). This variant is not present in population databases (gnomAD no frequency). This variant has not been reported in the literature in individuals affected with CHM-related conditions. Invitae Evidence Modeling of protein sequence and biophysical properties (such as structural, functional, and spatial information, amino acid conservation, physicochemical variation, residue mobility, and thermodynamic stability) indicates that this missense variant is not expected to disrupt CHM protein function with a negative predictive value of 80%. In summary, the available evidence is currently insufficient to determine the role of this variant in disease. Therefore, it has been classified as a Variant of Uncertain Significance.